The following is an entry in ClinVar:

ClinVar aggregate classification (germline): Likely pathogenic (0 of 4 stars; one submission).

Conditions:
Microcephalic osteodysplastic primordial dwarfism type II (MOPD2). Also called: Microcephalic osteodysplastic primordial dwarfism with tooth abnormalities; MOPD II; OSTEODYSPLASTIC PRIMORDIAL DWARFISM, TYPE II. Identifiers: Orphanet 2637, MedGen C0432246, MONDO:0008872, OMIM 210720.

Submission:

Pediatrics, Sichuan Provincial Hospital For Women And Children
Classification: Likely pathogenic for Microcephalic osteodysplastic primordial dwarfism type II. Review status: no assertion criteria provided. Collection method: research. Allele origin: paternal. Inheritance: Autosomal recessive inheritance. Affected: yes.
Comment: This variant is considered likely Pathogenic on one or more of the following criteria: The mutation was nonsense mutation, and the associated disease was LOF.This mutation was not included in the ExAC, gnomAD, 1000-genome Asian population database

NM_006031.6(PCNT):c.2317G>T (p.Glu773Ter)

Gene: PCNT (pericentrin; plus strand). Cytogenetic location: 21q22.3.
Variant type: single nucleotide variant.
Coding change: c.2317G>T on transcript NM_006031.6 (MANE Select); coding-DNA position 2317, G replaced by T.
Protein change: p.Glu773Ter; replaces glutamic acid 773 with a stop codon.
Molecular consequence: nonsense.
Genome position (GRCh38, 1-based): chr21:46,363,642, G>T. VCF-style: chr21-46363642-G-T. GRCh37 (hg19) VCF-style: chr21-47783557-G-T.
Other names: c.1963G>T, p.Glu655Ter (NM_001315529.2); short protein forms E655*, E773*.
Identifiers: ClinVar variation 2444460 (VCV002444460.2), dbSNP rs2518223728, ClinGen allele CA410567548.